The following is an entry in ClinVar:

ClinVar aggregate classification (germline): Uncertain significance (1 of 4 stars; one submission).

Conditions:
Ehlers-Danlos syndrome, classic type, 1 (EDSCL1). Also called: EHLERS-DANLOS SYNDROME, GRAVIS TYPE; EHLERS-DANLOS SYNDROME, SEVERE CLASSIC TYPE; Ehlers-Danlos syndrome, type 1; Ehlers-Danlos Syndrome, Classic Type, COL5A1-Related; EDS I. Identifiers: MedGen C0268335, MONDO:0019567, OMIM 130000.

Submission:

Labcorp Genetics (formerly Invitae), Labcorp
Classification: Uncertain significance for Ehlers-Danlos syndrome, classic type, 1. Last evaluated: 2025-10-01. Review status: criteria provided, single submitter. Criteria: Invitae Variant Classification Sherloc (09022015). Collection method: clinical testing. Allele origin: germline.
Comment: This sequence change replaces aspartic acid, which is acidic and polar, with asparagine, which is neutral and polar, at codon 702 of the COL5A1 protein (p.Asp702Asn). This variant is not present in population databases (gnomAD no frequency). This variant has not been reported in the literature in individuals affected with COL5A1-related conditions. Invitae Evidence Modeling of protein sequence and biophysical properties (such as structural, functional, and spatial information, amino acid conservation, physicochemical variation, residue mobility, and thermodynamic stability) has been performed for this missense variant. However, the output from this modeling did not meet the statistical confidence thresholds required to predict the impact of this variant on COL5A1 protein function. In summary, the available evidence is currently insufficient to determine the role of this variant in disease. Therefore, it has been classified as a Variant of Uncertain Significance.

NM_000093.5(COL5A1):c.2104G>A (p.Asp702Asn)

Gene: COL5A1 (collagen type V alpha 1 chain; plus strand). Cytogenetic location: 9q34.3.
Variant type: single nucleotide variant.
Coding change: c.2104G>A on transcript NM_000093.5 (MANE Select); coding-DNA position 2104, G replaced by A.
Protein change: p.Asp702Asn; replaces aspartic acid 702 with asparagine.
Molecular consequence: missense variant.
Genome position (GRCh38, 1-based): chr9:134,766,469, G>A. VCF-style: chr9-134766469-G-A. GRCh37 (hg19) VCF-style: chr9-137658315-G-A.
Other names: c.2104G>A, p.Asp702Asn (NM_001278074.1); short protein forms D702N.
Identifiers: ClinVar variation 4746099 (VCV004746099.1).
Genomic context (GRCh38, chr9:134,766,469, plus strand): 5'-CTTTCGCATTCAGTTACATGTTTTTCTTCTTAAAATCGTACACAGGGTGTCACGGGTATG[G>A]ACGGCCAGCCGGGGCCAAAAGGAAATGTGGTAAGTCCCTGGGGTCCCGTGGCCTGGCTTC-3'
Protein context (NP_000084.3, residues 692-712): PPGPPGVTGM[Asp702Asn]GQPGPKGNVG